The following is an entry in ClinVar:

ClinVar aggregate classification (germline): Uncertain significance (1 of 4 stars; one submission).

Submission:

Ambry Genetics
Classification: Uncertain significance. Last evaluated: 2025-10-11. Review status: criteria provided, single submitter. Criteria: Ambry Variant Classification Scheme 2023. Collection method: clinical testing. Allele origin: germline.
Comment: The p.L847F variant (also known as c.2539C>T), located in coding exon 11 of the WNK2 gene, results from a C to T substitution at nucleotide position 2539. The leucine at codon 847 is replaced by phenylalanine, an amino acid with highly similar properties. This amino acid position is conserved. In addition, this alteration is predicted to be tolerated by in silico analysis. Based on the available evidence, the clinical significance of this variant remains unclear.

NM_006648.4(WNK2):c.2539C>T (p.Leu847Phe)

Gene: WNK2 (WNK lysine deficient protein kinase 2; plus strand). Cytogenetic location: 9q22.31.
Variant type: single nucleotide variant.
Coding change: c.2539C>T on transcript NM_006648.4 (MANE Select); coding-DNA position 2539, C replaced by T.
Protein change: p.Leu847Phe; replaces leucine 847 with phenylalanine.
Molecular consequence: missense variant.
Genome position (GRCh38, 1-based): chr9:93,259,087, C>T. VCF-style: chr9-93259087-C-T. GRCh37 (hg19) VCF-style: chr9-96021369-C-T.
Other names: c.2539C>T, p.Leu847Phe (NM_001282394.3); short protein forms L847F.
Identifiers: ClinVar variation 4605242 (VCV004605242.1).